The following is an entry in ClinVar:

ClinVar aggregate classification (germline): Uncertain significance (1 of 4 stars; one submission).

Conditions:
Propionic acidemia (PROP). Also called: GLYCINEMIA, KETOTIC; HYPERGLYCINEMIA WITH KETOACIDOSIS AND LEUKOPENIA; KETOTIC HYPERGLYCINEMIA. Identifiers: Orphanet 35, MedGen C0268579, MONDO:0011628, OMIM 606054, HP:0003571.

Allele frequency attached by ClinVar (database versions not stated): gnomAD exomes below 0.00001 and 0.00001; ExAC 0.00001; gnomAD 0.00001.
gnomAD v4.1: 5 of 1,614,018 alleles (0.00031%); highest among the groups gnomAD compares: Admixed American, 0.0033%; no homozygotes.

Submission:

Labcorp Genetics (formerly Invitae), Labcorp
Classification: Uncertain significance for Propionic acidemia. Last evaluated: 2022-02-01. Review status: criteria provided, single submitter. Criteria: Invitae Variant Classification Sherloc (09022015). Collection method: clinical testing. Allele origin: germline.
Comment: This sequence change replaces glutamine, which is neutral and polar, with arginine, which is basic and polar, at codon 371 of the PCCA protein (p.Gln371Arg). This variant is present in population databases (rs752995083, gnomAD 0.003%). This variant has not been reported in the literature in individuals affected with PCCA-related conditions. Advanced modeling of protein sequence and biophysical properties (such as structural, functional, and spatial information, amino acid conservation, physicochemical variation, residue mobility, and thermodynamic stability) performed at Invitae indicates that this missense variant is not expected to disrupt PCCA protein function. In summary, the available evidence is currently insufficient to determine the role of this variant in disease. Therefore, it has been classified as a Variant of Uncertain Significance.

NM_000282.4(PCCA):c.1112A>G (p.Gln371Arg)

Gene: PCCA (propionyl-CoA carboxylase subunit alpha; plus strand). Cytogenetic location: 13q32.3.
Variant type: single nucleotide variant.
Coding change: c.1112A>G on transcript NM_000282.4 (MANE Select); coding-DNA position 1112, A replaced by G.
Protein change: p.Gln371Arg; replaces glutamine 371 with arginine.
Molecular consequence: missense variant. On other transcripts: non-coding transcript variant (5), intron variant (3).
Genome position (GRCh38, 1-based): chr13:100,301,506, A>G. VCF-style: chr13-100301506-A-G. GRCh37 (hg19) VCF-style: chr13-100953760-A-G.
Other names: c.1034A>G, p.Gln345Arg (NM_001127692.3, NM_001352607.2); c.1112A>G, p.Gln371Arg (NM_001178004.2, NM_001352605.2, NM_001352609.2); c.167A>G, p.Gln56Arg (NM_001352610.2, NM_001352611.2); c.1066-1418A>G (NM_001352606.2); c.121-1418A>G (NM_001352612.2); c.988-1418A>G (NM_001352608.2); short protein forms Q345R, Q56R, Q371R.
Identifiers: ClinVar variation 1495715 (VCV001495715.5), dbSNP rs752995083, ClinGen allele CA7033511.
Genomic context (GRCh38, chr13:100,301,506, plus strand): 5'-CCTTGGCCTTGCAGGTTGAGCATCCTGTCACAGAATGCATTACTGGCCTGGACCTAGTCC[A>G]GGAAATGATCCGTGTTGCTAAGGGCTACCCTCTCAGGCACAAACAAGCTGATATTCGCAT-3'
Protein context (NP_000273.2, residues 361-381): TECITGLDLV[Gln371Arg]EMIRVAKGYP